The following is an entry in ClinVar:

NM_001080517.3(SETD5):c.1904A>G (p.Gln635Arg)

Gene: SETD5 (SET domain containing 5; plus strand). Cytogenetic location: 3p25.3.
Variant type: single nucleotide variant.
Coding change: c.1904A>G on transcript NM_001080517.3 (MANE Select); coding-DNA position 1904, A replaced by G.
Protein change: p.Gln635Arg; replaces glutamine 635 with arginine.
Molecular consequence: missense variant.
Genome position (GRCh38, 1-based): chr3:9,447,807, A>G. VCF-style: chr3-9447807-A-G. GRCh37 (hg19) VCF-style: chr3-9489491-A-G.
Other names: c.1610A>G, p.Gln537Arg (NM_001292043.2, NM_001349451.2); c.1904A>G (NM_001080517.1); short protein forms Q537R, Q635R.
Identifiers: ClinVar variation 871921 (VCV000871921.42), dbSNP rs2042190375, ClinGen allele CA351697430.
Genomic context (GRCh38, chr3:9,447,807, plus strand): 5'-CGAAGAGTCGAATTTCTCGGTACAGGACCAGTTCAGCCCAAAGACTAAAGCGTCAGAAGC[A>G]GGCCAATGCACAGCAGGCAGAATTGTCACAAGCTGCCTTGGAAGAGGGAGGAAGTAACAG-3'
Protein context (NP_001073986.1, residues 625-645): SSAQRLKRQK[Gln635Arg]ANAQQAELSQ

ClinVar aggregate classification (germline): Conflicting classifications of pathogenicity. Review status: criteria provided, conflicting classifications (1 of 4 stars). 2 submissions from 2 submitters: Pathogenic (1); Uncertain significance (1). Last evaluated 2025-04-01.

Submissions (2):

GeneDx
Classification: Uncertain significance. Last evaluated: 2025-04-01. Review status: criteria provided, single submitter. Criteria: GeneDx Variant Classification Process June 2021. Collection method: clinical testing. Allele origin: germline. Affected: yes.
Comment: Not observed at significant frequency in large population cohorts (gnomAD); In silico analysis indicates that this missense variant does not alter protein structure/function; Has not been previously published as pathogenic or benign to our knowledge

CeGaT Center for Human Genetics Tuebingen
Classification: Pathogenic. Last evaluated: 2018-12-01. Review status: criteria provided, single submitter. Criteria: CeGaT Center For Human Genetics Tuebingen Variant Classification Criteria Version 2. Collection method: clinical testing. Allele origin: germline. Affected: yes. Observed: 3 variant alleles.